The following is an entry in ClinVar:

NM_001384140.1(PCDH15):c.1406T>C (p.Val469Ala)

Gene: PCDH15 (protocadherin related 15; minus strand). Cytogenetic location: 10q21.1.
Variant type: single nucleotide variant.
Coding change: c.1406T>C on transcript NM_001384140.1 (MANE Select); coding-DNA position 1406, T replaced by C.
Protein change: p.Val469Ala; replaces valine 469 with alanine.
Molecular consequence: missense variant.
Genome position (GRCh38, 1-based): chr10:54,185,168, A>G on the plus strand (T>C on the coding strand, the complement: PCDH15 is on the minus strand). VCF-style: chr10-54185168-A-G. GRCh37 (hg19) VCF-style: chr10-55944928-A-G.
Other names: c.1421T>C, p.Val474Ala (NM_001142763.2, NM_001142771.2); c.1406T>C, p.Val469Ala (NM_001142764.2, NM_001142765.2, NM_001142766.2 and 6 more transcripts); c.1295T>C, p.Val432Ala (NM_001142767.2); c.1340T>C, p.Val447Ala (NM_001142768.2, NM_001142773.2, NM_001354404.2); c.1442T>C, p.Val481Ala (NM_001142769.4); c.1427T>C, p.Val476Ala (NM_001354411.2); short protein forms V447A, V432A, V476A, V469A, V474A, V481A.
Identifiers: ClinVar variation 2201091 (VCV002201091.2), dbSNP rs746504605, ClinGen allele CA5506395.
Genomic context (GRCh38, chr10:54,185,168, plus strand): 5'-TGTATATTTACACAAAAGCTCTTTACCGAAAAGGTGTAAGTTTGCTGTTCTTCCCTGTCC[A>G]CTGGTTGAAGTAAGGTGAGGTAGCGAGTAATACCAGTCTGTGTGACGGTGAAGACTGAGG-3'
Protein context (NP_001371069.1, residues 459-479): ITRYLTLLQP[Val469Ala]DREEQQTYTF

ClinVar aggregate classification (germline): Uncertain significance. Review status: criteria provided, multiple submitters, no conflicts (2 of 4 stars). 2 submissions from 2 submitters: Uncertain significance (2). Last evaluated 2022-09-26.

Allele frequency attached by ClinVar (database versions not stated): gnomAD 0.00001; ExAC 0.00002; gnomAD exomes 0.00002.
gnomAD v4.1: 15 of 1,613,536 alleles (0.00093%); highest among the groups gnomAD compares: East Asian, 0.033%; no homozygotes.

Submissions (2):

Blueprint Genetics
Classification: Uncertain significance. Last evaluated: 2022-09-26. Review status: criteria provided, single submitter. Criteria: ACMG Guidelines, 2015. Collection method: clinical testing. Allele origin: germline.

Labcorp Genetics (formerly Invitae), Labcorp
Classification: Uncertain significance. Last evaluated: 2022-06-13. Review status: criteria provided, single submitter. Criteria: Invitae Variant Classification Sherloc (09022015). Collection method: clinical testing. Allele origin: germline.
Comment: This sequence change replaces valine, which is neutral and non-polar, with alanine, which is neutral and non-polar, at codon 469 of the PCDH15 protein (p.Val469Ala). This variant is present in population databases (rs746504605, gnomAD 0.05%). This variant has not been reported in the literature in individuals affected with PCDH15-related conditions. Algorithms developed to predict the effect of missense changes on protein structure and function are either unavailable or do not agree on the potential impact of this missense change (SIFT: "Deleterious"; PolyPhen-2: "Probably Damaging"; Align-GVGD: "Class C0"). In summary, the available evidence is currently insufficient to determine the role of this variant in disease. Therefore, it has been classified as a Variant of Uncertain Significance.